The following is an entry in ClinVar:

ClinVar aggregate classification (germline): Benign/Likely benign. Review status: criteria provided, multiple submitters, no conflicts (2 of 4 stars). 8 submissions from 5 submitters: Benign (1); Likely benign (5). 2 of the submissions do not count toward it. Last evaluated 2021-05-15.

Conditions:
Multiple endocrine neoplasia. Identifiers: Orphanet 276161, MedGen C0027662, MONDO:0017169.
Hirschsprung disease, susceptibility to, 1 (HSCR1). Also called: RET-Related Hirschsprung Disease. Identifiers: Orphanet 388, MedGen C3888239, MONDO:0007723, OMIM 142623.
Multiple endocrine neoplasia type 2A. Also called: MULTIPLE ENDOCRINE NEOPLASIA, TYPE IIA; PTC SYNDROME; SIPPLE SYNDROME; MEN 2A; MEN-2A syndrome; Pheochromocytoma and amyloid producing medullary thyroid carcinoma. Identifiers: Orphanet 247698, Orphanet 653, MedGen C0025268, MeSH D018813, MONDO:0008234, OMIM 171400.
Hirschsprung disease, protection against. Identifiers: MedGen C3888125.
Pheochromocytoma. Also called: MAX-Related Hereditary Paraganglioma-Pheochromocytoma Syndrome. Identifiers: Orphanet 29072, MedGen C0031511, MONDO:0008233, OMIM 171300, HP:0002666.
Renal hypodysplasia/aplasia 1 (RHDA1). Also called: RENAL APLASIA; HEREDITARY RENAL APLASIA. Identifiers: Orphanet 411709, MedGen C1619700, MONDO:0024519, OMIM 191830.

Allele frequency attached by ClinVar (database versions not stated): 1000 Genomes Project 30x 0.03826; TOPMed 0.04172; gnomAD 0.04255 and 0.04324; gnomAD exomes 0.04968; 1000 Genomes Project 0.03754.
gnomAD v4.1: 18,430 of 388,468 alleles (4.7%); highest among the groups gnomAD compares: South Asian, 8.9%; 563 homozygotes.

Submissions (8):

GeneDx
Classification: Benign. Last evaluated: 2021-05-15. Review status: criteria provided, single submitter. Criteria: GeneDx Variant Classification Process June 2021. Collection method: clinical testing. Allele origin: germline. Affected: yes.
Comment: This variant is associated with the following publications: (PMID: 16986122)

Illumina Laboratory Services, Illumina
Classification: Likely benign for Pheochromocytoma. Last evaluated: 2017-04-27. Review status: criteria provided, single submitter. Criteria: ICSL Variant Classification Criteria 13 December 2019. Collection method: clinical testing. Allele origin: germline.
Comment: This variant was observed as part of a predisposition screen in an ostensibly healthy population. A literature search was performed for the gene, cDNA change, and amino acid change (where applicable). No publications were found based on this search. Allele frequency data from public databases allowed determination this variant is unlikely to cause disease. Therefore, this variant is classified as likely benign.

Illumina Laboratory Services, Illumina
Classification: Likely benign for Hirschsprung disease, susceptibility to, 1. Last evaluated: 2017-04-27. Review status: criteria provided, single submitter. Criteria: ICSL Variant Classification Criteria 13 December 2019. Collection method: clinical testing. Allele origin: germline.
Comment: the same text as in the submission from Illumina Laboratory Services, Illumina above.

Illumina Laboratory Services, Illumina
Classification: Likely benign for Renal hypodysplasia/aplasia 1. Last evaluated: 2017-04-27. Review status: criteria provided, single submitter. Criteria: ICSL Variant Classification Criteria 13 December 2019. Collection method: clinical testing. Allele origin: germline.
Comment: the same text as in the submission from Illumina Laboratory Services, Illumina above.

Illumina Laboratory Services, Illumina
Classification: Likely benign for Multiple endocrine neoplasia. Last evaluated: 2017-04-27. Review status: criteria provided, single submitter. Criteria: ICSL Variant Classification Criteria 13 December 2019. Collection method: clinical testing. Allele origin: germline.
Comment: the same text as in the submission from Illumina Laboratory Services, Illumina above.

Breakthrough Genomics
Classification: Likely benign. Review status: criteria provided, single submitter. Criteria: ACMG Guidelines, 2015. Collection method: not provided. Allele origin: germline. Inheritance: Autosomal dominant inheritance. Affected: yes.

Counsyl
Classification: Benign for Multiple endocrine neoplasia type 2A. Last evaluated: 2017-11-14. Review status: no assertion criteria provided. Collection method: clinical testing. Allele origin: unknown. Not counted in ClinVar's aggregate classification.

OMIM
Classification: protective for HIRSCHSPRUNG DISEASE, PROTECTION AGAINST. Last evaluated: 2007-02-01. Review status: no assertion criteria provided. Collection method: literature only. Allele origin: germline. Not counted in ClinVar's aggregate classification.

Literature cited by the submitters: PubMed 16986122 (cited by OMIM).

NM_020975.6(RET):c.*1969T>C

Gene: RET (ret proto-oncogene; plus strand). Cytogenetic location: 10q11.21.
Variant type: single nucleotide variant.
Coding change: c.*1969T>C on transcript NM_020975.6 (MANE Select); 1969 bases downstream of the stop codon, T replaced by C.
Molecular consequence: 3 prime UTR variant.
Genome position (GRCh38, 1-based): chr10:43,130,238, T>C. VCF-style: chr10-43130238-T-C. GRCh37 (hg19) VCF-style: chr10-43625686-T-C.
Other names: 128496T-C; c.*1969T>C (LRG_518t1).
Identifiers: ClinVar variation 13954 (VCV000013954.9), dbSNP rs3026785, ClinGen allele CA010034.